The following is an entry in ClinVar:

NM_001256012.3(MYH10):c.5514_5517del (p.Val1839fs)

Gene: MYH10 (myosin heavy chain 10; minus strand). Cytogenetic location: 17p13.1.
Variant type: Deletion.
Coding change: c.5514_5517del on transcript NM_001256012.3 (MANE Select); coding-DNA positions 5514 to 5517, 4 bases deleted (TGTC; older notation c.5514_5517delTGTC).
Protein change: p.Val1839fs; shifts the reading frame from valine 1839.
Molecular consequence: frameshift variant.
Genome position (GRCh38, 1-based): chr17:8,480,190-8,480,193, GACA deleted on the plus strand (TGTC on the coding strand, the reverse complement: MYH10 is on the minus strand); deleting any 4 consecutive bases within chr17:8,480,190-8,480,194 gives the same sequence; the c. name uses the placement nearest the transcript's 3' end. VCF-style (leftmost placement, unchanged base first): chr17-8480189-TGACA-T. GRCh37 (hg19) VCF-style: chr17-8383507-TGACA-T.
Other names: c.5448_5451del, p.Val1817fs (NM_001256095.2); c.5451_5454del, p.Val1818fs (NM_001375266.1); c.5421_5424del, p.Val1808fs (NM_005964.5); short protein forms V1808fs, V1817fs, V1818fs, V1839fs.
Identifiers: ClinVar variation 5017019 (VCV005017019.1).

ClinVar aggregate classification (germline): Likely pathogenic (1 of 4 stars; one submission).

Submission:

GeneDx
Classification: Likely pathogenic. Last evaluated: 2026-03-24. Review status: criteria provided, single submitter. Criteria: GeneDx Variant Classification Process June 2021. Collection method: clinical testing. Allele origin: germline.
Comment: Frameshift variant predicted to result in protein truncation or nonsense mediated decay in a gene for which loss of function is a known mechanism of disease; Not observed at significant frequency in large population cohorts (gnomAD); Has not been previously published as pathogenic or benign to our knowledge